The following is an entry in ClinVar:

NM_022047.4(DEF6):c.1307A>G (p.Gln436Arg)

Gene: DEF6 (DEF6 guanine nucleotide exchange factor; plus strand). Cytogenetic location: 6p21.31.
Variant type: single nucleotide variant.
Coding change: c.1307A>G on transcript NM_022047.4 (MANE Select); coding-DNA position 1307, A replaced by G.
Protein change: p.Gln436Arg; replaces glutamine 436 with arginine.
Molecular consequence: missense variant.
Genome position (GRCh38, 1-based): chr6:35,319,615, A>G. VCF-style: chr6-35319615-A-G. GRCh37 (hg19) VCF-style: chr6-35287392-A-G.
Other names: short protein forms Q436R.
Identifiers: ClinVar variation 3684483 (VCV003684483.2).

ClinVar aggregate classification (germline): Uncertain significance (1 of 4 stars; one submission).

gnomAD v4.1: 2 of 1,614,098 alleles (0.00012%); highest among the groups gnomAD compares: Middle Eastern, 0.033%; no homozygotes.

Submission:

Labcorp Genetics (formerly Invitae), Labcorp
Classification: Uncertain significance. Last evaluated: 2024-05-31. Review status: criteria provided, single submitter. Criteria: Invitae Variant Classification Sherloc (09022015). Collection method: clinical testing. Allele origin: germline.
Comment: This sequence change replaces glutamine, which is neutral and polar, with arginine, which is basic and polar, at codon 436 of the DEF6 protein (p.Gln436Arg). This variant is not present in population databases (gnomAD no frequency). This variant has not been reported in the literature in individuals affected with DEF6-related conditions. An algorithm developed to predict the effect of missense changes on protein structure and function (PolyPhen-2) suggests that this variant is likely to be tolerated. In summary, the available evidence is currently insufficient to determine the role of this variant in disease. Therefore, it has been classified as a Variant of Uncertain Significance.